The following is an entry in ClinVar:

ClinVar aggregate classification (germline): Uncertain significance (1 of 4 stars; one submission).

Conditions:
Cardiovascular phenotype. Identifiers: MedGen CN230736.

Submission:

Ambry Genetics
Classification: Uncertain significance for Cardiovascular phenotype. Last evaluated: 2026-04-12. Review status: criteria provided, single submitter. Criteria: Ambry Variant Classification Scheme 2023. Collection method: clinical testing. Allele origin: germline.
Comment: The p.P524T variant (also known as c.1570C>A), located in coding exon 12 of the ENG gene, results from a C to A substitution at nucleotide position 1570. The proline at codon 524 is replaced by threonine, an amino acid with highly similar properties. This amino acid position is conserved. In addition, this alteration is predicted to be tolerated by in silico analysis. Based on the available evidence, the clinical significance of this variant remains unclear.

NM_001114753.3(ENG):c.1570C>A (p.Pro524Thr)

Genes: ENG (endoglin; minus strand), LOC102723566 (uncharacterized LOC102723566; plus strand). Cytogenetic location: 9q34.11.
Variant type: single nucleotide variant.
Coding change: c.1570C>A on transcript NM_001114753.3 (MANE Select); coding-DNA position 1570, C replaced by A.
Protein change: p.Pro524Thr; replaces proline 524 with threonine.
Molecular consequence: missense variant.
Genome position (GRCh38, 1-based): chr9:127,818,236, G>T on the plus strand (C>A on the coding strand, the complement: ENG is on the minus strand). VCF-style: chr9-127818236-G-T. GRCh37 (hg19) VCF-style: chr9-130580515-G-T.
Other names: c.1570C>A, p.Pro524Thr (NM_000118.4); c.1024C>A, p.Pro342Thr (NM_001278138.2); short protein forms P342T, P524T.
Identifiers: ClinVar variation 4870443 (VCV004870443.1).